The following is an entry in ClinVar:

ClinVar aggregate classification (germline): Uncertain significance (1 of 4 stars; one submission).

Submission:

GeneDx
Classification: Uncertain significance. Last evaluated: 2025-03-13. Review status: criteria provided, single submitter. Criteria: GeneDx Variant Classification Process June 2021. Collection method: clinical testing. Allele origin: germline.
Comment: Not observed at significant frequency in large population cohorts (gnomAD); In silico analysis supports that this missense variant has a deleterious effect on protein structure/function; Reported using an alternate transcript of the gene; Has not been previously published as pathogenic or benign to our knowledge

NM_001037333.3(CYFIP2):c.1672-972A>G

Gene: CYFIP2 (cytoplasmic FMR1 interacting protein 2; plus strand). Cytogenetic location: 5q33.3.
Variant type: single nucleotide variant.
Coding change: c.1672-972A>G on transcript NM_001037333.3 (MANE Select); 972 bases into the intron before coding-DNA position 1672, A replaced by G.
Molecular consequence: intron variant. On other transcripts: missense variant (1).
Genome position (GRCh38, 1-based): chr5:157,322,949, A>G. VCF-style: chr5-157322949-A-G. GRCh37 (hg19) VCF-style: chr5-156749957-A-G.
Other names: c.1679A>G, p.Gln560Arg (NM_001291722.2); c.1594-972A>G (NM_001291721.2); c.1672-972A>G (NM_014376.4); short protein forms Q560R.
Identifiers: ClinVar variation 3252212 (VCV003252212.2), dbSNP rs2532407016.